The following is an entry in ClinVar:

NM_001170700.3(DTHD1):c.1339C>T (p.Arg447Ter)

Gene: DTHD1 (death domain containing 1; plus strand). Cytogenetic location: 4p14.
Variant type: single nucleotide variant.
Coding change: c.1339C>T on transcript NM_001170700.3 (MANE Select); coding-DNA position 1339, C replaced by T.
Protein change: p.Arg447Ter; replaces arginine 447 with a stop codon.
Molecular consequence: nonsense. On other transcripts: non-coding transcript variant (2).
Genome position (GRCh38, 1-based): chr4:36,293,646, C>T. VCF-style: chr4-36293646-C-T. GRCh37 (hg19) VCF-style: chr4-36295268-C-T.
Other names: c.469C>T, p.Arg157Ter (NM_001136536.5); c.406C>T, p.Arg136Ter (NM_001378435.1); short protein forms R157*, R136*, R447*.
Identifiers: ClinVar variation 2159773 (VCV002159773.5), dbSNP rs970203447, ClinGen allele CA95770650.

ClinVar aggregate classification (germline): Uncertain significance. Review status: criteria provided, multiple submitters, no conflicts (2 of 4 stars). 2 submissions from 2 submitters: Uncertain significance (2). Last evaluated 2025-01-11.

Allele frequency attached by ClinVar (database versions not stated): gnomAD 0.00001; gnomAD exomes 0.00002; TOPMed 0.00005.
gnomAD v4.1: 13 of 1,548,066 alleles (0.00084%); highest among the groups gnomAD compares: Admixed American, 0.0079%; no homozygotes.

Submissions (2):

Labcorp Genetics (formerly Invitae), Labcorp
Classification: Uncertain significance. Last evaluated: 2025-01-11. Review status: criteria provided, single submitter. Criteria: Invitae Variant Classification Sherloc (09022015). Collection method: clinical testing. Allele origin: germline.
Comment: This sequence change creates a premature translational stop signal (p.Arg157*) in the DTHD1 gene. It is expected to result in an absent or disrupted protein product. However, the current clinical and genetic evidence is not sufficient to establish whether loss-of-function variants in DTHD1 cause disease. This variant is present in population databases (no rsID available, gnomAD 0.02%). This variant has not been reported in the literature in individuals affected with DTHD1-related conditions. ClinVar contains an entry for this variant (Variation ID: 2159773). Algorithms developed to predict the effect of sequence changes on RNA splicing suggest that this variant may disrupt the consensus splice site. In summary, the available evidence is currently insufficient to determine the role of this variant in disease. Therefore, it has been classified as a Variant of Uncertain Significance.

Blueprint Genetics
Classification: Uncertain significance. Last evaluated: 2024-05-29. Review status: criteria provided, single submitter. Criteria: ACMG Guidelines, 2015. Collection method: clinical testing. Allele origin: germline.